The following is an entry in ClinVar:

ClinVar aggregate classification (germline): Pathogenic (1 of 4 stars; one submission).

Allele frequency attached by ClinVar (database versions not stated): TOPMed below 0.00001.

Submission:

Labcorp Genetics (formerly Invitae), Labcorp
Classification: Pathogenic. Last evaluated: 2025-06-12. Review status: criteria provided, single submitter. Criteria: Invitae Variant Classification Sherloc (09022015). Collection method: clinical testing. Allele origin: germline.
Comment: This sequence change creates a premature translational stop signal (p.Glu910*) in the DUOX2 gene. It is expected to result in an absent or disrupted protein product. Loss-of-function variants in DUOX2 are known to be pathogenic (PMID: 12110737, 18765513, 21565790, 24423310, 24735383). This variant is not present in population databases (gnomAD no frequency). This variant has not been reported in the literature in individuals affected with DUOX2-related conditions. ClinVar contains an entry for this variant (Variation ID: 2087425). For these reasons, this variant has been classified as Pathogenic.

Literature cited by the submitters: PubMed 12110737; PubMed 18765513; PubMed 21565790; PubMed 24423310; PubMed 24735383.

NM_001363711.2(DUOX2):c.2728G>T (p.Glu910Ter)

Gene: DUOX2 (dual oxidase 2; minus strand). Cytogenetic location: 15q21.1.
Variant type: single nucleotide variant.
Coding change: c.2728G>T on transcript NM_001363711.2 (MANE Select); coding-DNA position 2728, G replaced by T.
Protein change: p.Glu910Ter; replaces glutamic acid 910 with a stop codon.
Molecular consequence: nonsense.
Genome position (GRCh38, 1-based): chr15:45,101,916, C>A on the plus strand (G>T on the coding strand, the complement: DUOX2 is on the minus strand). VCF-style: chr15-45101916-C-A. GRCh37 (hg19) VCF-style: chr15-45394114-C-A.
Other names: c.2728G>T, p.Glu910Ter (NM_014080.5); short protein forms E910*.
Identifiers: ClinVar variation 2087425 (VCV002087425.4), dbSNP rs1416639166, ClinGen allele CA392267177.
Genomic context (GRCh38, chr15:45,101,916, plus strand): 5'-CCCGCAGCATGAAGTGAAAATCCTCCCATGTCAGCTCCTCCTTGTCCTGGAATCCCGACT[C>A]CCGGAACATAGACTCCACCACCTCGGCCAGCTGGGCCTTGGACAGGCAGTTGTTGGAGAT-3'